The following is an entry in ClinVar:

ClinVar aggregate classification (germline): Uncertain significance (1 of 4 stars; one submission).

Conditions:
Hereditary cancer-predisposing syndrome. Also called: Neoplastic Syndromes, Hereditary; Tumor predisposition; Hereditary Cancer Syndrome; Hereditary neoplastic syndrome. Identifiers: Orphanet 140162, MedGen C0027672, MeSH D009386, MONDO:0015356.

gnomAD v4.1: 1 of 1,613,082 alleles (0.000062%); highest among the groups gnomAD compares: East Asian, 0.0022%; no homozygotes.

Submission:

Ambry Genetics
Classification: Uncertain significance for Hereditary cancer-predisposing syndrome. Last evaluated: 2022-05-17. Review status: criteria provided, single submitter. Criteria: Ambry Variant Classification Scheme 2023. Collection method: clinical testing. Allele origin: germline.
Comment: The p.Q242H variant (also known as c.726G>T), located in coding exon 5 of the PTCH1 gene, results from a G to T substitution at nucleotide position 726. The glutamine at codon 242 is replaced by histidine, an amino acid with highly similar properties. This amino acid position is conserved. In addition, this alteration is predicted to be tolerated by in silico analysis. Since supporting evidence is limited at this time, the clinical significance of this alteration remains unclear.

NM_000264.5(PTCH1):c.726G>T (p.Gln242His)

Gene: PTCH1 (patched 1; minus strand). Cytogenetic location: 9q22.32.
Variant type: single nucleotide variant.
Coding change: c.726G>T on transcript NM_000264.5 (MANE Select); coding-DNA position 726, G replaced by T.
Protein change: p.Gln242His; replaces glutamine 242 with histidine.
Molecular consequence: missense variant. On other transcripts: non-coding transcript variant (1).
Genome position (GRCh38, 1-based): chr9:95,481,969, C>A on the plus strand (G>T on the coding strand, the complement: PTCH1 is on the minus strand). VCF-style: chr9-95481969-C-A. GRCh37 (hg19) VCF-style: chr9-98244251-C-A.
Other names: c.528G>T, p.Gln176His (NM_001083602.3, NM_001354919.2); c.723G>T, p.Gln241His (NM_001083603.3); c.273G>T, p.Gln91His (NM_001083604.3, NM_001083605.3, NM_001083606.3 and 1 more transcripts); c.726G>T, p.Gln242His (NM_001354918.2); short protein forms Q176H, Q241H, Q242H, Q91H.
Identifiers: ClinVar variation 1758012 (VCV001758012.2), dbSNP rs2118460690, ClinGen allele CA374114829.